The following is an entry in ClinVar:

ClinVar aggregate classification (germline): Uncertain significance (1 of 4 stars; one submission).

gnomAD v4.1: 51 of 1,563,770 alleles (0.0033%); highest among the groups gnomAD compares: Non-Finnish European, 0.0043%; no homozygotes.

Submission:

CeGaT Center for Human Genetics Tuebingen
Classification: Uncertain significance. Last evaluated: 2024-12-01. Review status: criteria provided, single submitter. Criteria: CeGaT Center For Human Genetics Tuebingen Variant Classification Criteria Version 2. Collection method: clinical testing. Allele origin: germline. Affected: yes. Observed: 1 variant allele.
Comment: SLC25A26: PM2:Supporting, BP4

NM_001379210.1(SLC25A26):c.294A>G (p.Gly98=)

Gene: SLC25A26 (solute carrier family 25 member 26; plus strand). Cytogenetic location: 3p14.1.
Variant type: single nucleotide variant.
Coding change: c.294A>G on transcript NM_001379210.1 (MANE Select); coding-DNA position 294, A replaced by G.
Protein change: p.Gly98=; no amino-acid change (glycine 98 retained).
Molecular consequence: synonymous variant. On other transcripts: non-coding transcript variant (15).
Genome position (GRCh38, 1-based): chr3:66,243,306, A>G. VCF-style: chr3-66243306-A-G. GRCh37 (hg19) VCF-style: chr3-66293730-A-G.
Other names: c.30A>G, p.Gly10= (NM_001164796.1, NM_001350993.1, NM_001400709.1 and 2 more transcripts); c.294A>G, p.Gly98= (NM_001400705.1, NM_001400707.1, NM_173471.4).
Identifiers: ClinVar variation 3771547 (VCV003771547.13).